The following is an entry in ClinVar:

ClinVar aggregate classification (germline): Uncertain significance (1 of 4 stars; one submission).

Submission:

Ambry Genetics
Classification: Uncertain significance. Last evaluated: 2021-11-30. Review status: criteria provided, single submitter. Criteria: Ambry Variant Classification Scheme 2023. Collection method: clinical testing. Allele origin: germline.
Comment: The p.K1223E variant (also known as c.3667A>G), located in coding exon 4 of the ALPK2 gene, results from an A to G substitution at nucleotide position 3667. The lysine at codon 1223 is replaced by glutamic acid, an amino acid with similar properties. This amino acid position is conserved. In addition, this alteration is predicted to be tolerated by in silico analysis. Since supporting evidence is limited at this time, the clinical significance of this alteration remains unclear.

NM_052947.4(ALPK2):c.3667A>G (p.Lys1223Glu)

Genes: ALPK2 (alpha kinase 2; minus strand), LOC126862764 (BRD4-independent group 4 enhancer GRCh37_chr18:56202574-56203773; plus strand). Cytogenetic location: 18q21.31.
Variant type: single nucleotide variant.
Coding change: c.3667A>G on transcript NM_052947.4 (MANE Select); coding-DNA position 3667, A replaced by G.
Protein change: p.Lys1223Glu; replaces lysine 1223 with glutamic acid.
Molecular consequence: missense variant.
Genome position (GRCh38, 1-based): chr18:58,536,520, T>C on the plus strand (A>G on the coding strand, the complement: ALPK2 is on the minus strand). VCF-style: chr18-58536520-T-C. GRCh37 (hg19) VCF-style: chr18-56203752-T-C.
Other names: short protein forms K1223E.
Identifiers: ClinVar variation 1733731 (VCV001733731.2), dbSNP rs2518876146, ClinGen allele CA402566129.
Genomic context (GRCh38, chr18:58,536,520, plus strand): 5'-CCTCTAGAGTTATAATCTTCAGCTTGTTGCCTGCCTCCCAATTTCCAGGTCTATATTCTT[T>C]AGACTCTTCCAAAAGGATATCAGAGAGAGATGGAACGTTGCTCAGAGCCTGACTGTCTTC-3'
Protein context (NP_443179.3, residues 1213-1233): SLSDILLEES[Lys1223Glu]EYRPGNWEAG